The following is an entry in ClinVar:

NM_001128178.3(NPHP1):c.1762-486C>G

Gene: NPHP1 (nephrocystin 1; minus strand). Cytogenetic location: 2q13.
Variant type: single nucleotide variant.
Coding change: c.1762-486C>G on transcript NM_001128178.3 (MANE Select); 486 bases into the intron before coding-DNA position 1762, C replaced by G.
Molecular consequence: intron variant.
Genome position (GRCh38, 1-based): chr2:110,124,549, G>C on the plus strand (C>G on the coding strand, the complement: NPHP1 is on the minus strand). VCF-style: chr2-110124549-G-C. GRCh37 (hg19) VCF-style: chr2-110882126-G-C.
Other names: c.1573-486C>G (NM_001128179.3); c.1759-486C>G (NM_001374256.1); c.*4-486C>G (NM_001374257.1); c.1927-486C>G (NM_207181.4); c.1930-486C>G (NM_000272.5).
Identifiers: ClinVar variation 2651264 (VCV002651264.24), dbSNP rs139209422, ClinGen allele CA53520992.

ClinVar aggregate classification (germline): Benign (1 of 4 stars; one submission).

Allele frequency attached by ClinVar (database versions not stated): 1000 Genomes Project 0.00220; 1000 Genomes Project 30x 0.00312.
gnomAD v4.1: 1,336 of 225,306 alleles (0.59%); highest among the groups gnomAD compares: Non-Finnish European, 0.96%; 5 homozygotes.

Submission:

CeGaT Center for Human Genetics Tuebingen
Classification: Benign. Last evaluated: 2023-06-01. Review status: criteria provided, single submitter. Criteria: CeGaT Center For Human Genetics Tuebingen Variant Classification Criteria Version 2. Collection method: clinical testing. Allele origin: germline. Affected: yes. Observed: 6 variant alleles.
Comment: NPHP1: BS1, BS2